The following is an entry in ClinVar:

ClinVar aggregate classification (germline): Conflicting classifications of pathogenicity. Review status: criteria provided, conflicting classifications (1 of 4 stars). 4 submissions from 4 submitters: Likely pathogenic (2); Uncertain significance (2). Last evaluated 2026-02-25.

Conditions:
PRX-related disorder. Also called: PRX-Related Disorders; PRX-related condition.
Charcot-Marie-Tooth disease type 4. Also called: Charcot-Marie-Tooth disease, type IV; Charcot-Marie-Tooth, Type 4. Identifiers: Orphanet 64749, MedGen C4082197, MONDO:0018995.
Charcot-Marie-Tooth disease type 4F. Also called: Charcot-Marie-Tooth disease, demyelinating, type 4F. Identifiers: Orphanet 99952, MedGen C3540453, MONDO:0013959, OMIM 614895.
Charcot-Marie-Tooth disease. Also called: Charcot-Marie-Tooth Neuropathy; Charcot-Marie-Tooth Hereditary Neuropathy. Identifiers: Orphanet 166, MedGen C0007959, MONDO:0015626.

Allele frequency attached by ClinVar (database versions not stated): gnomAD 0.00001; gnomAD exomes 0.00001 and 0.00002; TOPMed 0.00001; ExAC 0.00003; 1000 Genomes Project 30x 0.00016; 1000 Genomes Project 0.00020.

Submissions (4):

PreventionGenetics, part of Exact Sciences
Classification: Uncertain significance for PRX-related condition. Last evaluated: 2026-02-25. Review status: criteria provided, single submitter. Criteria: ACMG Guidelines, 2015. Collection method: clinical testing. Allele origin: germline.
Comment: The PRX c.4003C>T variant is predicted to result in premature protein termination (p.Arg1335*). This variant has been reported in large cohort studies of individuals with Charcot-Marie-Tooth disease; however, additional support for pathogenicity was not provided (Supp. Table 5, DiVincenzo et al. 2014. PubMed ID: 25614874; Supp. Table 1, Volodarsky et al. 2020. PubMed ID: 32376792). This variant resides in the final exon of this gene, and it is unclear if the resulting mRNA would undergo nonsense-mediated decay. In addition, other loss-of-function variants downstream of this variant have not been reported in affected patients (Human Gene Mutation Database). This variant is reported in 0.0071% of alleles in individuals of African descent in gnomAD. Although we suspect that this variant may be pathogenic, at this time, the clinical significance of this variant is uncertain due to the absence of conclusive functional and genetic evidence.

Labcorp Genetics (formerly Invitae), Labcorp
Classification: Uncertain significance for Charcot-Marie-Tooth disease type 4. Last evaluated: 2022-04-19. Review status: criteria provided, single submitter. Criteria: Invitae Variant Classification Sherloc (09022015). Collection method: clinical testing. Allele origin: germline.
Comment: This sequence change creates a premature translational stop signal (p.Arg1335*) in the PRX gene. While this is not anticipated to result in nonsense mediated decay, it is expected to disrupt the last 127 amino acid(s) of the PRX protein. This variant is present in population databases (rs559968504, gnomAD 0.008%). This premature translational stop signal has been observed in individual(s) with Charcot-Marie-Tooth disease (PMID: 32376792). ClinVar contains an entry for this variant (Variation ID: 916819). In summary, the available evidence is currently insufficient to determine the role of this variant in disease. Therefore, it has been classified as a Variant of Uncertain Significance.

Clinical Genetics Service, Universitary Hospital 12 de Octubre
Classification: Likely pathogenic for Charcot-Marie-Tooth disease type 4F. Review status: criteria provided, single submitter. Criteria: ACMG Guidelines, 2015. Collection method: clinical testing. Allele origin: germline. Affected: yes.

Molecular Genetics Laboratory, London Health Sciences Centre
Classification: Likely pathogenic for Charcot-Marie-Tooth disease. Review status: criteria provided, single submitter. Criteria: ACMG Guidelines, 2015. Collection method: clinical testing. Allele origin: germline. Affected: yes.

Literature cited by the submitters: PubMed 32376792 (cited by Labcorp Genetics (formerly Invitae), Labcorp).

NM_181882.3(PRX):c.4003C>T (p.Arg1335Ter)

Gene: PRX (periaxin; minus strand). Cytogenetic location: 19q13.2.
Variant type: single nucleotide variant.
Coding change: c.4003C>T on transcript NM_181882.3 (MANE Select); coding-DNA position 4003, C replaced by T.
Protein change: p.Arg1335Ter; replaces arginine 1335 with a stop codon.
Molecular consequence: nonsense. On other transcripts: 3 prime UTR variant (1).
Genome position (GRCh38, 1-based): chr19:40,394,349, G>A on the plus strand (C>T on the coding strand, the complement: PRX is on the minus strand). VCF-style: chr19-40394349-G-A. GRCh37 (hg19) VCF-style: chr19-40900256-G-A.
Other names: c.*4208C>T (NM_020956.2); short protein forms R1335*.
Identifiers: ClinVar variation 916819 (VCV000916819.8), dbSNP rs559968504, ClinGen allele CA9443725.
Genomic context (GRCh38, chr19:40,394,349, plus strand): 5'-CCTCCTCGGGGCTGGGGGACCCTTCCCCAGTGACCATCTCACTTTGGCTGAAGCCCACTC[G>A]GGGCAGCCTGAGTTTGGGGCTCTTGGCCTTCTCACCCTCCTCGGCCCCCTCCTTGGCCCG-3'